The following is an entry in ClinVar:

ClinVar aggregate classification (germline): Uncertain significance (1 of 4 stars; one submission).

Submission:

Labcorp Genetics (formerly Invitae), Labcorp
Classification: Uncertain significance. Last evaluated: 2025-09-02. Review status: criteria provided, single submitter. Criteria: Invitae Variant Classification Sherloc (09022015). Collection method: clinical testing. Allele origin: germline.
Comment: This sequence change replaces aspartic acid, which is acidic and polar, with glutamic acid, which is acidic and polar, at codon 79 of the RFWD3 protein (p.Asp79Glu). This variant is not present in population databases (gnomAD no frequency). This variant has not been reported in the literature in individuals affected with RFWD3-related conditions. ClinVar contains an entry for this variant (Variation ID: 2834633). An algorithm developed to predict the effect of missense changes on protein structure and function (PolyPhen-2) suggests that this variant is likely to be tolerated. In summary, the available evidence is currently insufficient to determine the role of this variant in disease. Therefore, it has been classified as a Variant of Uncertain Significance.

NM_018124.4(RFWD3):c.237C>A (p.Asp79Glu)

Gene: RFWD3 (ring finger and WD repeat domain 3; minus strand). Cytogenetic location: 16q23.1.
Variant type: single nucleotide variant.
Coding change: c.237C>A on transcript NM_018124.4 (MANE Select); coding-DNA position 237, C replaced by A.
Protein change: p.Asp79Glu; replaces aspartic acid 79 with glutamic acid.
Molecular consequence: missense variant. On other transcripts: 5 prime UTR variant (4), intron variant (1).
Genome position (GRCh38, 1-based): chr16:74,661,213, G>T on the plus strand (C>A on the coding strand, the complement: RFWD3 is on the minus strand). VCF-style: chr16-74661213-G-T. GRCh37 (hg19) VCF-style: chr16-74695111-G-T.
Other names: c.237C>A, p.Asp79Glu (NM_001370534.1, NM_001370535.1, NM_001370536.1); c.-772C>A (NM_001370537.1); c.-395C>A (NM_001370539.1, NM_001370541.1); c.-649C>A (NM_001370542.1); c.-527C>A (NM_001370543.1); c.-317+3411C>A (NM_001370540.1); short protein forms D79E.
Identifiers: ClinVar variation 2834633 (VCV002834633.3), dbSNP rs2544142880, ClinGen allele CA396764340.